The following is an entry in ClinVar:

ClinVar aggregate classification (germline): Conflicting classifications of pathogenicity. Review status: criteria provided, conflicting classifications (1 of 4 stars). 4 submissions from 4 submitters: Uncertain significance (2); Benign (1); Likely benign (1). Last evaluated 2026-09-01.

Allele frequency attached by ClinVar (database versions not stated): ESP Exome Variant Server 0.00179; gnomAD 0.00293 and 0.00315; 1000 Genomes Project 30x 0.00297; 1000 Genomes Project 0.00339; TOPMed 0.00348; gnomAD exomes 0.00379.
gnomAD v4.1: 3,760 of 991,488 alleles (0.38%); highest among the groups gnomAD compares: Middle Eastern, 1.9%; 31 homozygotes.

Submissions (7):

CeGaT Center for Human Genetics Tuebingen
Classification: Likely benign. Last evaluated: 2026-09-01. Review status: criteria provided, single submitter. Criteria: CeGaT Center For Human Genetics Tuebingen Variant Classification Criteria Version 2. Collection method: clinical testing. Allele origin: germline. Affected: yes. Observed: 31 variant alleles.
Comment: TNXB: BS2

Mayo Clinic Laboratories, Mayo Clinic
Classification: Benign. Last evaluated: 2024-09-26. Review status: criteria provided, single submitter. Criteria: ACMG Guidelines, 2015. Collection method: clinical testing. Allele origin: germline. Observed: 31 variant alleles.
Comment: BS1, BS2, BP4

Laboratorio de Genetica e Diagnostico Molecular, Hospital Israelita Albert Einstein
Classification: Uncertain significance. Last evaluated: 2024-01-09. Review status: criteria provided, single submitter. Criteria: ACMG Guidelines, 2015. Collection method: clinical testing. Allele origin: germline. Affected: yes.
Comment: ACMG classification criteria: BP4

Breakthrough Genomics
Classification: Uncertain significance. Review status: criteria provided, single submitter. Criteria: ACMG Guidelines, 2015. Collection method: not provided. Allele origin: germline. Inheritance: Autosomal recessive inheritance. Affected: yes.

Dr. Peter K. Rogan Lab, Western University
No classification provided (evidence only). Condition: Ovarian serous cystadenocarcinoma. Review status: no classification provided. Collection method: in vitro. Allele origin: not applicable. Functional consequence: retained intron. Not counted in ClinVar's aggregate classification.

Dr. Peter K. Rogan Lab, Western University
No classification provided (evidence only). Condition: Ovarian serous cystadenocarcinoma. Review status: no classification provided. Collection method: in vitro. Allele origin: not applicable. Functional consequence: retained intron. Not counted in ClinVar's aggregate classification.

Dr. Peter K. Rogan Lab, Western University
No classification provided (evidence only). Condition: Ovarian serous cystadenocarcinoma. Review status: no classification provided. Collection method: in vitro. Allele origin: not applicable. Functional consequence: retained intron. Not counted in ClinVar's aggregate classification.

NM_001365276.2(TNXB):c.11539G>A (p.Gly3847Ser)

Genes: TNXB (tenascin XB; minus strand), LOC106780803 (tenascin XB recombination region; plus strand). Cytogenetic location: 6p21.33.
Variant type: single nucleotide variant.
Coding change: c.11539G>A on transcript NM_001365276.2 (MANE Select); coding-DNA position 11539, G replaced by A.
Protein change: p.Gly3847Ser; replaces glycine 3847 with serine.
Molecular consequence: missense variant.
Genome position (GRCh38, 1-based): chr6:32,043,548, C>T on the plus strand (G>A on the coding strand, the complement: TNXB is on the minus strand). VCF-style: chr6-32043548-C-T. GRCh37 (hg19) VCF-style: chr6-32011325-C-T.
Other names: NC_000006.11:g.32011325C>T; p.Gly3845Ser; c.11533G>A, p.Gly3845Ser (NM_019105.8); c.826G>A, p.Gly276Ser (NM_032470.4); short protein forms G276S, G3845S, G3847S.
Identifiers: ClinVar variation 1690736 (VCV001690736.30), dbSNP rs199688928, ClinGen allele CA3732939.